The following is an entry in ClinVar:

ClinVar aggregate classification (germline): Uncertain significance (1 of 4 stars; one submission).

Conditions:
Dilated cardiomyopathy 1KK (CMD1KK). Identifiers: Orphanet 154, Orphanet 75249, MedGen C3714995, MONDO:0014100, OMIM 615248.

Submission:

Labcorp Genetics (formerly Invitae), Labcorp
Classification: Uncertain significance for Dilated cardiomyopathy 1KK. Last evaluated: 2022-08-09. Review status: criteria provided, single submitter. Criteria: Invitae Variant Classification Sherloc (09022015). Collection method: clinical testing. Allele origin: germline.
Comment: This sequence change replaces alanine, which is neutral and non-polar, with valine, which is neutral and non-polar, at codon 1171 of the MYPN protein (p.Ala1171Val). This variant is not present in population databases (gnomAD no frequency). This variant has not been reported in the literature in individuals affected with MYPN-related conditions. ClinVar contains an entry for this variant (Variation ID: 1490168). Algorithms developed to predict the effect of missense changes on protein structure and function (SIFT, PolyPhen-2, Align-GVGD) all suggest that this variant is likely to be tolerated. Algorithms developed to predict the effect of sequence changes on RNA splicing suggest that this variant may create or strengthen a splice site. In summary, the available evidence is currently insufficient to determine the role of this variant in disease. Therefore, it has been classified as a Variant of Uncertain Significance.

NM_032578.4(MYPN):c.3512C>T (p.Ala1171Val)

Gene: MYPN (myopalladin; plus strand). Cytogenetic location: 10q21.3.
Variant type: single nucleotide variant.
Coding change: c.3512C>T on transcript NM_032578.4 (MANE Select); coding-DNA position 3512, C replaced by T.
Protein change: p.Ala1171Val; replaces alanine 1171 with valine.
Molecular consequence: missense variant. On other transcripts: non-coding transcript variant (2).
Genome position (GRCh38, 1-based): chr10:68,201,847, C>T. VCF-style: chr10-68201847-C-T. GRCh37 (hg19) VCF-style: chr10-69961604-C-T.
Other names: c.3512C>T, p.Ala1171Val (NM_001256267.2); c.2630C>T, p.Ala877Val (NM_001256268.2); short protein forms A877V, A1171V.
Identifiers: ClinVar variation 1490168 (VCV001490168.6), dbSNP rs2043718976, ClinGen allele CA376859887.